The following is an entry in ClinVar:

NM_006421.5(ARFGEF1):c.4382C>T (p.Ala1461Val)

Gene: ARFGEF1 (ARF guanine nucleotide exchange factor 1; minus strand). Cytogenetic location: 8q13.2.
Variant type: single nucleotide variant.
Coding change: c.4382C>T on transcript NM_006421.5 (MANE Select); coding-DNA position 4382, C replaced by T.
Protein change: p.Ala1461Val; replaces alanine 1461 with valine.
Molecular consequence: missense variant. On other transcripts: non-coding transcript variant (1).
Genome position (GRCh38, 1-based): chr8:67,218,095, G>A on the plus strand (C>T on the coding strand, the complement: ARFGEF1 is on the minus strand). VCF-style: chr8-67218095-G-A. GRCh37 (hg19) VCF-style: chr8-68130330-G-A.
Other names: c.4382C>T, p.Ala1461Val (NM_001413184.1, NM_001413185.1, NM_001413186.1 and 5 more transcripts); c.3782C>T, p.Ala1261Val (NM_001413188.1, NM_001413193.1, NM_001413197.1); c.4376C>T, p.Ala1459Val (NM_001413190.1); c.2957C>T, p.Ala986Val (NM_001413196.1); short protein forms A1261V, A1459V, A1461V, A986V.
Identifiers: ClinVar variation 4527637 (VCV004527637.1).

ClinVar aggregate classification (germline): Uncertain significance (1 of 4 stars; one submission).

Submission:

GeneDx
Classification: Uncertain significance. Last evaluated: 2025-05-01. Review status: criteria provided, single submitter. Criteria: GeneDx Variant Classification Process June 2021. Collection method: clinical testing. Allele origin: germline. Affected: yes.
Comment: Not observed at significant frequency in large population cohorts (gnomAD); In silico analysis supports that this missense variant has a deleterious effect on protein structure/function; Has not been previously published as pathogenic or benign to our knowledge